The following is an entry in ClinVar:

NM_001353108.3(CEP63):c.169C>T (p.Arg57Cys)

Gene: CEP63 (centrosomal protein 63; plus strand). Cytogenetic location: 3q22.2.
Variant type: single nucleotide variant.
Coding change: c.169C>T on transcript NM_001353108.3 (MANE Select); coding-DNA position 169, C replaced by T.
Protein change: p.Arg57Cys; replaces arginine 57 with cysteine.
Molecular consequence: missense variant. On other transcripts: 5 prime UTR variant (1), non-coding transcript variant (4).
Genome position (GRCh38, 1-based): chr3:134,507,233, C>T. VCF-style: chr3-134507233-C-T. GRCh37 (hg19) VCF-style: chr3-134226075-C-T.
Other names: c.169C>T, p.Arg57Cys (NM_001042383.2, NM_001042384.2, NM_001042400.3 and 13 more transcripts); c.196C>T, p.Arg66Cys (NM_001353118.1); c.85C>T, p.Arg29Cys (NM_001353125.2); c.-213C>T (NM_001353126.2); short protein forms R29C, R66C, R57C.
Identifiers: ClinVar variation 1973666 (VCV001973666.5), dbSNP rs765915059, ClinGen allele CA2628277.

ClinVar aggregate classification (germline): Uncertain significance (1 of 4 stars; one submission).

Allele frequency attached by ClinVar (database versions not stated): gnomAD 0.00001.
gnomAD v4.1: 7 of 1,613,090 alleles (0.00043%); highest among the groups gnomAD compares: Admixed American, 0.0017%; no homozygotes.

Submission:

Labcorp Genetics (formerly Invitae), Labcorp
Classification: Uncertain significance. Last evaluated: 2022-11-15. Review status: criteria provided, single submitter. Criteria: Invitae Variant Classification Sherloc (09022015). Collection method: clinical testing. Allele origin: germline.
Comment: In summary, the available evidence is currently insufficient to determine the role of this variant in disease. Therefore, it has been classified as a Variant of Uncertain Significance. Advanced modeling of protein sequence and biophysical properties (such as structural, functional, and spatial information, amino acid conservation, physicochemical variation, residue mobility, and thermodynamic stability) performed at Invitae indicates that this missense variant is not expected to disrupt CEP63 protein function. This variant has not been reported in the literature in individuals affected with CEP63-related conditions. This variant is present in population databases (rs765915059, gnomAD 0.003%). This sequence change replaces arginine, which is basic and polar, with cysteine, which is neutral and slightly polar, at codon 57 of the CEP63 protein (p.Arg57Cys).